The following is an entry in ClinVar:

ClinVar aggregate classification (germline): Pathogenic. Review status: criteria provided, multiple submitters, no conflicts (2 of 4 stars). 3 submissions from 3 submitters: Pathogenic (3). Last evaluated 2025-04-14.

Conditions:
Deficiency of acetyl-CoA acetyltransferase. Also called: 3-KETOTHIOLASE DEFICIENCY; 3-OXOTHIOLASE DEFICIENCY; Beta-ketothiolase deficiency; MITOCHONDRIAL ACETOACETYL-CoA THIOLASE DEFICIENCY. Identifiers: Orphanet 134, MedGen C1536500, MONDO:0008760, OMIM 203750. Disease mechanism: loss of function.

Submissions (3):

Natera, Inc.
Classification: Pathogenic for Alpha-methylacetoacetic aciduria. Last evaluated: 2025-04-14. Review status: criteria provided, single submitter. Criteria: Natera Variant Classification Schema (03/2026). Collection method: clinical testing. Allele origin: germline.
Comment: The c.2T>C variant in ACAT1 is predicted to result in start loss due to disruption of the initiator methionine. This variant is expected to result in nonsense mediated decay, truncation, or a dysfunctional protein product. This variant is rare in the general population with a frequency below the threshold expected for the associated phenotype(s). This variant has been observed in one or more individuals affected with the associated recessive disease, as either homozygous or compound heterozygous with a second variant (PMID: 14518824). Given the available evidence, this variant is classified as Pathogenic.

Labcorp Genetics (formerly Invitae), Labcorp
Classification: Pathogenic for Deficiency of acetyl-CoA acetyltransferase. Last evaluated: 2024-02-29. Review status: criteria provided, single submitter. Criteria: Invitae Variant Classification Sherloc (09022015). Collection method: clinical testing. Allele origin: germline.
Comment: This sequence change affects the initiator methionine of the ACAT1 mRNA. The next in-frame methionine is located at codon 91. This variant is not present in population databases (gnomAD no frequency). Disruption of the initiator codon has been observed in individual(s) with beta-ketothiolase deficiency (PMID: 8103405, 12754704, 28220263). In at least one individual the data is consistent with being in trans (on the opposite chromosome) from a pathogenic variant. ClinVar contains an entry for this variant (Variation ID: 666461). Algorithms developed to predict the effect of variants on protein structure and function are not available or were not evaluated for this variant. Experimental studies have shown that disruption of the initiator codon affects ACAT1 function (PMID: 12754704). For these reasons, this variant has been classified as Pathogenic.

Department of Pediatrics, Gifu University
Classification: Pathogenic for Deficiency of acetyl-CoA acetyltransferase. Last evaluated: 2019-05-05. Review status: criteria provided, single submitter. Criteria: ACMG Guidelines, 2015. Collection method: research. Allele origin: germline. Affected: yes. Observed: 1 variant allele.

Literature cited by the submitters: PubMed 14518824 (cited by Natera, Inc.); PubMed 8103405 (cited by Labcorp Genetics (formerly Invitae), Labcorp); PubMed 12754704 (cited by Labcorp Genetics (formerly Invitae), Labcorp and Department of Pediatrics, Gifu University); PubMed 28220263 (cited by Labcorp Genetics (formerly Invitae), Labcorp); PubMed 31268215 (cited by Department of Pediatrics, Gifu University).

NM_000019.4(ACAT1):c.2T>C (p.Met1Thr)

Gene: ACAT1 (acetyl-CoA acetyltransferase 1; plus strand). Cytogenetic location: 11q22.3.
Variant type: single nucleotide variant.
Coding change: c.2T>C on transcript NM_000019.4 (MANE Select); coding-DNA position 2, T replaced by C.
Protein change: p.Met1Thr; changes the start codon (methionine 1).
Molecular consequence: missense variant, initiator codon variant.
Genome position (GRCh38, 1-based): chr11:108,121,608, T>C. VCF-style: chr11-108121608-T-C. GRCh37 (hg19) VCF-style: chr11-107992335-T-C.
Other names: short protein forms M1T.
Identifiers: ClinVar variation 666461 (VCV000666461.9), dbSNP rs120074142, ClinGen allele CA382505480.